The following is an entry in ClinVar:

NM_006885.4(ZFHX3):c.204C>T (p.Ala68=)

Gene: ZFHX3 (zinc finger homeobox 3; minus strand). Cytogenetic location: 16q22.3.
Variant type: single nucleotide variant.
Coding change: c.204C>T on transcript NM_006885.4 (MANE Select); coding-DNA position 204, C replaced by T.
Protein change: p.Ala68=; no amino-acid change (alanine 68 retained).
Molecular consequence: synonymous variant. On other transcripts: intron variant (1).
Genome position (GRCh38, 1-based): chr16:72,959,942, G>A on the plus strand (C>T on the coding strand, the complement: ZFHX3 is on the minus strand). VCF-style: chr16-72959942-G-A. GRCh37 (hg19) VCF-style: chr16-72993841-G-A.
Other names: c.204C>T, p.Ala68= (NM_001386735.1); c.-23-8977C>T (NM_001164766.2).
Identifiers: ClinVar variation 2646852 (VCV002646852.24), dbSNP rs774660681, ClinGen allele CA8165072.

ClinVar aggregate classification (germline): Likely benign (1 of 4 stars; one submission).

Allele frequency attached by ClinVar (database versions not stated): gnomAD exomes 0.00003.
gnomAD v4.1: 50 of 1,600,462 alleles (0.0031%); highest among the groups gnomAD compares: South Asian, 0.013%; no homozygotes.

Submission:

CeGaT Center for Human Genetics Tuebingen
Classification: Likely benign. Last evaluated: 2022-03-01. Review status: criteria provided, single submitter. Criteria: CeGaT Center For Human Genetics Tuebingen Variant Classification Criteria Version 2. Collection method: clinical testing. Allele origin: germline. Affected: yes. Observed: 1 variant allele.
Comment: ZFHX3: BP4, BP7